The following is an entry in ClinVar:

ClinVar aggregate classification (germline): Pathogenic (1 of 4 stars; one submission).

Conditions:
RYR1-related disorder. Also called: RYR1-related condition; RYR1-related disorders. Identifiers: MedGen CN239331.

Submission:

Labcorp Genetics (formerly Invitae), Labcorp
Classification: Pathogenic for RYR1-related disorder. Last evaluated: 2023-03-09. Review status: criteria provided, single submitter. Criteria: Invitae Variant Classification Sherloc (09022015). Collection method: clinical testing. Allele origin: germline.
Comment: For these reasons, this variant has been classified as Pathogenic. This variant has not been reported in the literature in individuals affected with RYR1-related conditions. This variant is not present in population databases (gnomAD no frequency). This sequence change creates a premature translational stop signal (p.Gln1315Serfs*83) in the RYR1 gene. It is expected to result in an absent or disrupted protein product. Loss-of-function variants in RYR1 are known to be pathogenic (PMID: 23919265, 25960145, 28818389, 30611313).

Literature cited by the submitters: PubMed 23919265; PubMed 25960145; PubMed 28818389; PubMed 30611313.

NM_000540.3(RYR1):c.3943del (p.Gln1315fs)

Gene: RYR1 (ryanodine receptor 1; plus strand). Cytogenetic location: 19q13.2.
Variant type: Deletion.
Coding change: c.3943del on transcript NM_000540.3 (MANE Select); coding-DNA position 3943, one base deleted (C; older notation c.3943delC).
Protein change: p.Gln1315fs; shifts the reading frame from glutamine 1315.
Molecular consequence: frameshift variant.
Genome position (GRCh38, 1-based): chr19:38,473,554, C deleted. VCF-style (leftmost placement, unchanged base first): chr19-38473553-GC-G. GRCh37 (hg19) VCF-style: chr19-38964193-GC-G.
Other names: c.3943del, p.Gln1315fs (NM_001042723.2); short protein forms Q1315fs.
Identifiers: ClinVar variation 2844535 (VCV002844535.3), dbSNP rs2514146983, ClinGen allele CA2739276813.